The following is an entry in ClinVar:

ClinVar aggregate classification (germline): Uncertain significance (1 of 4 stars; one submission).

Allele frequency attached by ClinVar (database versions not stated): gnomAD 0.00001; gnomAD exomes 0.00001.
gnomAD v4.1: 12 of 1,357,004 alleles (0.00088%); highest among the groups gnomAD compares: Non-Finnish European, 0.00085%; no homozygotes.

Submission:

Labcorp Genetics (formerly Invitae), Labcorp
Classification: Uncertain significance. Last evaluated: 2023-08-24. Review status: criteria provided, single submitter. Criteria: Invitae Variant Classification Sherloc (09022015). Collection method: clinical testing. Allele origin: germline.
Comment: In summary, the available evidence is currently insufficient to determine the role of this variant in disease. Therefore, it has been classified as a Variant of Uncertain Significance. Advanced modeling of protein sequence and biophysical properties (such as structural, functional, and spatial information, amino acid conservation, physicochemical variation, residue mobility, and thermodynamic stability) performed at Invitae indicates that this missense variant is expected to disrupt DEAF1 protein function. ClinVar contains an entry for this variant (Variation ID: 1373180). This variant has not been reported in the literature in individuals affected with DEAF1-related conditions. This variant is not present in population databases (gnomAD no frequency). This sequence change replaces aspartic acid, which is acidic and polar, with asparagine, which is neutral and polar, at codon 87 of the DEAF1 protein (p.Asp87Asn).

NM_021008.4(DEAF1):c.259G>A (p.Asp87Asn)

Gene: DEAF1 (DEAF1 transcription factor; minus strand). Cytogenetic location: 11p15.5.
Variant type: single nucleotide variant.
Coding change: c.259G>A on transcript NM_021008.4 (MANE Select); coding-DNA position 259, G replaced by A.
Protein change: p.Asp87Asn; replaces aspartic acid 87 with asparagine.
Molecular consequence: missense variant. On other transcripts: intron variant (1).
Genome position (GRCh38, 1-based): chr11:694,789, C>T on the plus strand (G>A on the coding strand, the complement: DEAF1 is on the minus strand). VCF-style: chr11-694789-C-T. GRCh37 (hg19) VCF-style: chr11-694789-C-T.
Other names: c.259G>A, p.Asp87Asn (NM_001293634.2); c.-437-3191G>A (NM_001367390.1); short protein forms D87N.
Identifiers: ClinVar variation 1373180 (VCV001373180.8), dbSNP rs1362977841, ClinGen allele CA378939041.